The following is an entry in ClinVar:

ClinVar aggregate classification (germline): Uncertain significance (1 of 4 stars; one submission).

Allele frequency attached by ClinVar (database versions not stated): gnomAD 0.00002 and 0.00003; gnomAD exomes 0.00004 and 0.00002; TOPMed 0.00002.
gnomAD v4.1: 57 of 1,614,016 alleles (0.0035%); highest among the groups gnomAD compares: Non-Finnish European, 0.0047%; 1 homozygote.

Submission:

Labcorp Genetics (formerly Invitae), Labcorp
Classification: Uncertain significance. Last evaluated: 2025-10-21. Review status: criteria provided, single submitter. Criteria: Invitae Variant Classification Sherloc (09022015). Collection method: clinical testing. Allele origin: germline.
Comment: This sequence change replaces threonine, which is neutral and polar, with isoleucine, which is neutral and non-polar, at codon 26 of the NUP62 protein (p.Thr26Ile). This variant is present in population databases (rs199851269, gnomAD 0.004%). This variant has not been reported in the literature in individuals affected with NUP62-related conditions. ClinVar contains an entry for this variant (Variation ID: 1439210). Experimental studies and prediction algorithms are not available or were not evaluated, and the functional significance of this variant is currently unknown. In summary, the available evidence is currently insufficient to determine the role of this variant in disease. Therefore, it has been classified as a Variant of Uncertain Significance.

NM_016553.5(NUP62):c.77C>T (p.Thr26Ile)

Genes: IL4I1 (interleukin 4 induced 1; minus strand), NUP62 (nucleoporin 62; minus strand). Cytogenetic location: 19q13.33.
Variant type: single nucleotide variant.
Coding change: c.77C>T on transcript NM_016553.5 (MANE Select); coding-DNA position 77, C replaced by T.
Protein change: p.Thr26Ile; replaces threonine 26 with isoleucine.
Molecular consequence: missense variant. On other transcripts: intron variant (3).
Genome position (GRCh38, 1-based): chr19:49,909,731, G>A on the plus strand (C>T on the coding strand, the complement: NUP62 is on the minus strand). VCF-style: chr19-49909731-G-A. GRCh37 (hg19) VCF-style: chr19-50412988-G-A.
Other names: c.77C>T, p.Thr26Ile (NM_001193357.2, NM_012346.5, NM_153718.4 and 1 more transcripts); c.-227-5410C>T (NM_001258017.2, NM_172374.3); c.-285-5410C>T (NM_001258018.2); short protein forms T26I.
Identifiers: ClinVar variation 1439210 (VCV001439210.44), dbSNP rs199851269, ClinGen allele CA309555874.